The following is an entry in ClinVar:

ClinVar aggregate classification (germline): Uncertain significance (1 of 4 stars; one submission).

Conditions:
Brown-Vialetto-van Laere syndrome 1. Also called: BROWN-VIALETTO-VAN LAERE SYNDROME 1, MILD; BULBAR PALSY, PROGRESSIVE, WITH SENSORINEURAL DEAFNESS; PONTOBULBAR PALSY WITH DEAFNESS. Identifiers: Orphanet 572550, Orphanet 97229, MedGen C0796274, MONDO:0024537, OMIM 211530.

Submissions (2):

Labcorp Genetics (formerly Invitae), Labcorp
Classification: Uncertain significance for Brown-Vialetto-van Laere syndrome 1. Last evaluated: 2024-07-23. Review status: criteria provided, single submitter. Criteria: Invitae Variant Classification Sherloc (09022015). Collection method: clinical testing. Allele origin: germline.
Comment: This sequence change replaces serine, which is neutral and polar, with arginine, which is basic and polar, at codon 411 of the SLC52A3 protein (p.Ser411Arg). This variant is not present in population databases (gnomAD no frequency). This variant has not been reported in the literature in individuals affected with SLC52A3-related conditions. ClinVar contains an entry for this variant (Variation ID: 1463783). Advanced modeling of protein sequence and biophysical properties (such as structural, functional, and spatial information, amino acid conservation, physicochemical variation, residue mobility, and thermodynamic stability) performed at Invitae indicates that this missense variant is not expected to disrupt SLC52A3 protein function with a negative predictive value of 80%. Algorithms developed to predict the effect of sequence changes on RNA splicing suggest that this variant may create or strengthen a splice site. In summary, the available evidence is currently insufficient to determine the role of this variant in disease. Therefore, it has been classified as a Variant of Uncertain Significance.

Dr. Peter K. Rogan Lab, Western University
No classification provided (evidence only). Condition: Nonpapillary renal cell carcinoma. Review status: no classification provided. Collection method: in vitro. Allele origin: not applicable. Functional consequence: retained intron. Not counted in ClinVar's aggregate classification.

NM_033409.4(SLC52A3):c.1233T>G (p.Ser411Arg)

Gene: SLC52A3 (solute carrier family 52 member 3; minus strand). Cytogenetic location: 20p13.
Variant type: single nucleotide variant.
Coding change: c.1233T>G on transcript NM_033409.4 (MANE Select); coding-DNA position 1233, T replaced by G.
Protein change: p.Ser411Arg; replaces serine 411 with arginine.
Molecular consequence: missense variant.
Genome position (GRCh38, 1-based): chr20:761,203, A>C on the plus strand (T>G on the coding strand, the complement: SLC52A3 is on the minus strand). VCF-style: chr20-761203-A-C. GRCh37 (hg19) VCF-style: chr20-741847-A-C.
Other names: c.1233T>G, p.Ser411Arg (NM_001370085.1, NM_001370086.1); short protein forms S411R.
Identifiers: ClinVar variation 1463783 (VCV001463783.8), dbSNP rs910857, ClinGen allele CA407962060.
Genomic context (GRCh38, chr20:761,203, plus strand): 5'-CCACAAGAGGGCGCTGCGGCTGAGGTCGCGCAGGACCACGCCCAGCATCACCTTGACGTA[A>C]CTGAGGCAGCCGCTGAAAAGCACCCACGAGGCCACCTGCGGGGCCGGGAGGGAAGAGGTG-3'
Protein context (NP_212134.3, residues 401-421): ASWVLFSGCL[Ser411Arg]YVKVMLGVVL